The following is an entry in ClinVar:

NM_139343.3(BIN1):c.1674+3G>T

Gene: BIN1 (bridging integrator 1; minus strand). Cytogenetic location: 2q14.3.
Variant type: single nucleotide variant.
Coding change: c.1674+3G>T on transcript NM_139343.3 (MANE Select); 3 bases into the intron after coding-DNA position 1674, G replaced by T.
Molecular consequence: intron variant.
Genome position (GRCh38, 1-based): chr2:127,050,418, C>A on the plus strand (G>T on the coding strand, the complement: BIN1 is on the minus strand). VCF-style: chr2-127050418-C-A. GRCh37 (hg19) VCF-style: chr2-127807994-C-A.
Other names: c.1593+3G>T (NM_001320642.1); c.1050+3G>T (NM_001320634.1); c.1122+3G>T (NM_139351.3); c.1212+3G>T (NM_139350.3); c.1320+3G>T (NM_139349.3); c.1341+3G>T (NM_139348.3); c.1449+3G>T (NM_139347.3); c.1581+3G>T (NM_001320641.2); and 7 more.
Identifiers: ClinVar variation 1064185 (VCV001064185.8), dbSNP rs1420732725, ClinGen allele CA535633506.

ClinVar aggregate classification (germline): Uncertain significance (1 of 4 stars; one submission).

Conditions:
Myopathy, centronuclear, 2 (CNM2). Also called: MYOTUBULAR MYOPATHY, AUTOSOMAL RECESSIVE. Identifiers: Orphanet 169186, MedGen CN031787, MONDO:0009709, OMIM 255200.

Allele frequency attached by ClinVar (database versions not stated): TOPMed 0.00002; gnomAD 0.00004.

Submissions (2):

Labcorp Genetics (formerly Invitae), Labcorp
Classification: Uncertain significance for Myopathy, centronuclear, 2. Last evaluated: 2023-02-23. Review status: criteria provided, single submitter. Criteria: Invitae Variant Classification Sherloc (09022015). Collection method: clinical testing. Allele origin: germline.
Comment: This sequence change falls in intron 18 of the BIN1 gene. It does not directly change the encoded amino acid sequence of the BIN1 protein. It affects a nucleotide within the consensus splice site. This variant is present in population databases (no rsID available, gnomAD 0.007%). In summary, the available evidence is currently insufficient to determine the role of this variant in disease. Therefore, it has been classified as a Variant of Uncertain Significance. Variants that disrupt the consensus splice site are a relatively common cause of aberrant splicing (PMID: 17576681, 9536098). Algorithms developed to predict the effect of sequence changes on RNA splicing suggest that this variant is not likely to affect RNA splicing. ClinVar contains an entry for this variant (Variation ID: 1064185). This variant has not been reported in the literature in individuals affected with BIN1-related conditions.

Dr. Peter K. Rogan Lab, Western University
No classification provided (evidence only). Condition: Lung cancer. Review status: no classification provided. Collection method: in vitro. Allele origin: not applicable. Functional consequence: skipped exon, retained intron. Not counted in ClinVar's aggregate classification.

Literature cited by the submitters: PubMed 17576681 (cited by Labcorp Genetics (formerly Invitae), Labcorp); PubMed 9536098 (cited by Labcorp Genetics (formerly Invitae), Labcorp).